The following is an entry in ClinVar:

NM_000257.4(MYH7):c.678T>C (p.Ala226=)

Gene: MYH7 (myosin heavy chain 7; minus strand). Cytogenetic location: 14q11.2.
Variant type: single nucleotide variant.
Coding change: c.678T>C on transcript NM_000257.4 (MANE Select); coding-DNA position 678, T replaced by C.
Protein change: p.Ala226=; no amino-acid change (alanine 226 retained).
Molecular consequence: synonymous variant.
Genome position (GRCh38, 1-based): chr14:23,431,639, A>G on the plus strand (T>C on the coding strand, the complement: MYH7 is on the minus strand). VCF-style: chr14-23431639-A-G. GRCh37 (hg19) VCF-style: chr14-23900848-A-G.
Identifiers: ClinVar variation 700607 (VCV000700607.32), dbSNP rs1595089480, ClinGen allele CA485767350.

ClinVar aggregate classification (germline): Likely benign. Review status: criteria provided, multiple submitters, no conflicts (2 of 4 stars). 2 submissions from 2 submitters: Likely benign (2). Last evaluated 2025-08-01.

Conditions:
Hypertrophic cardiomyopathy. Also called: HYPERTROPHIC MYOCARDIOPATHY. Identifiers: Orphanet 217569, MedGen C0007194, MeSH D002312, MONDO:0005045, HP:0001639.

Allele frequency attached by ClinVar (database versions not stated): gnomAD exomes below 0.00001.
gnomAD v4.1: 1 of 1,614,270 alleles (0.000062%); highest among the groups gnomAD compares: Admixed American, 0.0017%; no homozygotes.

Submissions (2):

CeGaT Center for Human Genetics Tuebingen
Classification: Likely benign. Last evaluated: 2025-08-01. Review status: criteria provided, single submitter. Criteria: CeGaT Center For Human Genetics Tuebingen Variant Classification Criteria Version 2. Collection method: clinical testing. Allele origin: germline. Affected: yes. Observed: 2 variant alleles.
Comment: MYH7: BP4, BP7

Labcorp Genetics (formerly Invitae), Labcorp
Classification: Likely benign for Hypertrophic cardiomyopathy. Last evaluated: 2022-08-19. Review status: criteria provided, single submitter. Criteria: Invitae Variant Classification Sherloc (09022015). Collection method: clinical testing. Allele origin: germline.